The following is an entry in ClinVar:

NM_001365276.2(TNXB):c.359A>G (p.Gln120Arg)

Gene: TNXB (tenascin XB; minus strand). Cytogenetic location: 6p21.33.
Variant type: single nucleotide variant.
Coding change: c.359A>G on transcript NM_001365276.2 (MANE Select); coding-DNA position 359, A replaced by G.
Protein change: p.Gln120Arg; replaces glutamine 120 with arginine.
Molecular consequence: missense variant.
Genome position (GRCh38, 1-based): chr6:32,097,840, T>C on the plus strand (A>G on the coding strand, the complement: TNXB is on the minus strand). VCF-style: chr6-32097840-T-C. GRCh37 (hg19) VCF-style: chr6-32065617-T-C.
Other names: c.359A>G, p.Gln120Arg (NM_001428335.1, NM_019105.8); short protein forms Q120R.
Identifiers: ClinVar variation 4188673 (VCV004188673.1).
Genomic context (GRCh38, chr6:32,097,840, plus strand): 5'-GTGATCACCTGCTCACCTGTGCCAGCTTGGGCAGAGGCAGGACAACATCCCCCAGTGCAC[T>C]GTTCCTTGAGCCCCTTCACCAACTCCTCCAGGATCTCTAGACGGACCCTCAGGGCCTGTA-3'
Protein context (NP_001352205.1, residues 110-130): LEELVKGLKE[Gln120Arg]CTGGCCPASA

ClinVar aggregate classification (germline): Uncertain significance (1 of 4 stars; one submission).

Conditions:
Cardiovascular phenotype. Identifiers: MedGen CN230736.

Submission:

Ambry Genetics
Classification: Uncertain significance for Cardiovascular phenotype. Last evaluated: 2025-06-16. Review status: criteria provided, single submitter. Criteria: Ambry Variant Classification Scheme 2023. Collection method: clinical testing. Allele origin: germline.
Comment: The p.Q120R variant (also known as c.359A>G), located in coding exon 1 of the TNXB gene, results from an A to G substitution at nucleotide position 359. The glutamine at codon 120 is replaced by arginine, an amino acid with highly similar properties. This amino acid position is conserved. In addition, this alteration is predicted to be tolerated by in silico analysis. Based on the available evidence, the clinical significance of this variant remains unclear.